The following is an entry in ClinVar:

NM_144772.3(NAXE):c.559A>G (p.Ile187Val)

Gene: NAXE (NAD(P)HX epimerase; plus strand). Cytogenetic location: 1q22.
Variant type: single nucleotide variant.
Coding change: c.559A>G on transcript NM_144772.3 (MANE Select); coding-DNA position 559, A replaced by G.
Protein change: p.Ile187Val; replaces isoleucine 187 with valine.
Molecular consequence: missense variant.
Genome position (GRCh38, 1-based): chr1:156,593,450, A>G. VCF-style: chr1-156593450-A-G. GRCh37 (hg19) VCF-style: chr1-156563242-A-G.
Other names: short protein forms I187V.
Identifiers: ClinVar variation 1400878 (VCV001400878.7), dbSNP rs368319069, ClinGen allele CA1162830.

ClinVar aggregate classification (germline): Uncertain significance (1 of 4 stars; one submission).

Allele frequency attached by ClinVar (database versions not stated): gnomAD 0.00003; gnomAD exomes 0.00003 and 0.00004; ExAC 0.00005; TOPMed 0.00006; ESP Exome Variant Server 0.00008.
gnomAD v4.1: 70 of 1,613,942 alleles (0.0043%); highest among the groups gnomAD compares: Non-Finnish European, 0.0053%; no homozygotes.

Submission:

Labcorp Genetics (formerly Invitae), Labcorp
Classification: Uncertain significance. Last evaluated: 2024-10-15. Review status: criteria provided, single submitter. Criteria: Invitae Variant Classification Sherloc (09022015). Collection method: clinical testing. Allele origin: germline.
Comment: This sequence change replaces isoleucine, which is neutral and non-polar, with valine, which is neutral and non-polar, at codon 187 of the NAXE protein (p.Ile187Val). This variant is present in population databases (rs368319069, gnomAD 0.007%). This variant has not been reported in the literature in individuals affected with NAXE-related conditions. ClinVar contains an entry for this variant (Variation ID: 1400878). Invitae Evidence Modeling of protein sequence and biophysical properties (such as structural, functional, and spatial information, amino acid conservation, physicochemical variation, residue mobility, and thermodynamic stability) indicates that this missense variant is not expected to disrupt NAXE protein function with a negative predictive value of 80%. In summary, the available evidence is currently insufficient to determine the role of this variant in disease. Therefore, it has been classified as a Variant of Uncertain Significance.